The following is an entry in ClinVar:

NM_004086.3(COCH):c.1310T>G (p.Ile437Ser)

Genes: COCH (cochlin; plus strand), COCH-AS1 (COCH antisense RNA 1; minus strand). Cytogenetic location: 14q12.
Variant type: single nucleotide variant.
Coding change: c.1310T>G on transcript NM_004086.3 (MANE Select); coding-DNA position 1310, T replaced by G.
Protein change: p.Ile437Ser; replaces isoleucine 437 with serine.
Molecular consequence: missense variant. On other transcripts: non-coding transcript variant (1).
Genome position (GRCh38, 1-based): chr14:30,886,145, T>G. VCF-style: chr14-30886145-T-G. GRCh37 (hg19) VCF-style: chr14-31355351-T-G.
Other names: c.1310T>G (NM_001135058.1); c.1310T>G, p.Ile437Ser (NM_001135058.2); c.1505T>G, p.Ile502Ser (NM_001347720.2); short protein forms I437S, I502S.
Identifiers: ClinVar variation 3147060 (VCV003147060.2), dbSNP rs779778621, ClinGen allele CA7143299.
Genomic context (GRCh38, chr14:30,886,145, plus strand): 5'-CGGAGTTCAGTTTCACTGACTATAGCACCAAAGAGAATGTCCTAGCTGTCATCAGAAACA[T>G]CCGCTATATGAGTGGTGGAACAGCTACTGGTGATGCCATTTCCTTCACTGTTAGAAATGT-3'
Protein context (NP_004077.1, residues 427-447): KENVLAVIRN[Ile437Ser]RYMSGGTATG

ClinVar aggregate classification (germline): Uncertain significance. Review status: criteria provided, multiple submitters, no conflicts (2 of 4 stars). 2 submissions from 2 submitters: Uncertain significance (2). Last evaluated 2026-07-29.

Conditions:
Inborn genetic diseases. Identifiers: MedGen C0950123, MeSH D030342.
COCH-related disorder. Also called: COCH-related condition.

Allele frequency attached by ClinVar (database versions not stated): TOPMed 0.00002; gnomAD 0.00003; ExAC 0.00007.
gnomAD v4.1: 73 of 1,612,484 alleles (0.0045%); highest among the groups gnomAD compares: Non-Finnish European, 0.0059%; no homozygotes.

Submissions (2):

PreventionGenetics, part of Exact Sciences
Classification: Uncertain significance for COCH-related condition. Last evaluated: 2026-07-29. Review status: criteria provided, single submitter. Criteria: ACMG Guidelines, 2015. Collection method: clinical testing. Allele origin: germline.
Comment: The COCH c.1310T>G variant is predicted to result in the amino acid substitution p.Ile437Ser. To our knowledge, this variant has not been reported in the literature. This variant is reported in 0.0080% of alleles in individuals of African descent in gnomAD. At this time, the clinical significance of this variant is uncertain due to the absence of conclusive functional and genetic evidence.

Ambry Genetics
Classification: Uncertain significance for Inborn genetic diseases. Last evaluated: 2023-12-22. Review status: criteria provided, single submitter. Criteria: Ambry Variant Classification Scheme 2023. Collection method: clinical testing. Allele origin: germline.